The following is an entry in ClinVar:

NM_000138.5(FBN1):c.8461A>C (p.Lys2821Gln)

Gene: FBN1 (fibrillin 1; minus strand). Cytogenetic location: 15q21.1.
Variant type: single nucleotide variant.
Coding change: c.8461A>C on transcript NM_000138.5 (MANE Select); coding-DNA position 8461, A replaced by C.
Protein change: p.Lys2821Gln; replaces lysine 2821 with glutamine.
Molecular consequence: missense variant.
Genome position (GRCh38, 1-based): chr15:48,411,145, T>G on the plus strand (A>C on the coding strand, the complement: FBN1 is on the minus strand). VCF-style: chr15-48411145-T-G. GRCh37 (hg19) VCF-style: chr15-48703342-T-G.
Other names: p.K2821Q:AAG>CAG; p.Lys2821Gln; short protein forms K2821Q.
Identifiers: ClinVar variation 200133 (VCV000200133.9), dbSNP rs794728286, ClinGen allele CA017755.

ClinVar aggregate classification (germline): Uncertain significance. Review status: criteria provided, multiple submitters, no conflicts (2 of 4 stars). 6 submissions from 6 submitters: Uncertain significance (5). 1 of the submissions does not count toward it. Last evaluated 2025-07-13.

Conditions:
Marfan syndrome (MFS). Also called: MARFAN SYNDROME, TYPE I; FBN1-Related Marfan Syndrome; Marfan syndrome, classic; Marfan syndrome type 1; Marfan's syndrome. Identifiers: Orphanet 284963, Orphanet 558, MedGen C0024796, MONDO:0007947, OMIM 154700.
Familial thoracic aortic aneurysm and aortic dissection (TAAD). Also called: Thoracic aortic aneurysms and dissections. Identifiers: Orphanet 91387, MedGen C4707243, MONDO:0019625.
FBN1-related disorder. Also called: FBN1-related disorders.

Allele frequency attached by ClinVar (database versions not stated): gnomAD 0.00001; TOPMed 0.00001; gnomAD exomes below 0.00001.
gnomAD v4.1: 8 of 1,614,050 alleles (0.0005%); highest among the groups gnomAD compares: Non-Finnish European, 0.00059%; no homozygotes.

Submissions (6):

Labcorp Genetics (formerly Invitae), Labcorp
Classification: Uncertain significance for Marfan syndrome; Familial thoracic aortic aneurysm and aortic dissection. Last evaluated: 2025-07-13. Review status: criteria provided, single submitter. Criteria: Invitae Variant Classification Sherloc (09022015). Collection method: clinical testing. Allele origin: germline.
Comment: This sequence change replaces lysine, which is basic and polar, with glutamine, which is neutral and polar, at codon 2821 of the FBN1 protein (p.Lys2821Gln). This variant is not present in population databases (gnomAD no frequency). This variant has not been reported in the literature in individuals affected with FBN1-related conditions. ClinVar contains an entry for this variant (Variation ID: 200133). Invitae Evidence Modeling of protein sequence and biophysical properties (such as structural, functional, and spatial information, amino acid conservation, physicochemical variation, residue mobility, and thermodynamic stability) has been performed for this missense variant. However, the output from this modeling did not meet the statistical confidence thresholds required to predict the impact of this variant on FBN1 protein function. In summary, the available evidence is currently insufficient to determine the role of this variant in disease. Therefore, it has been classified as a Variant of Uncertain Significance.

Mayo Clinic Laboratories, Mayo Clinic
Classification: Uncertain significance. Last evaluated: 2024-07-05. Review status: criteria provided, single submitter. Criteria: ACMG Guidelines, 2015. Collection method: clinical testing. Allele origin: germline. Observed: 1 variant allele.
Comment: PM2

Women's Health and Genetics/Laboratory Corporation of America, LabCorp
Classification: Uncertain significance. Last evaluated: 2024-02-19. Review status: criteria provided, single submitter. Criteria: LabCorp Variant Classification Summary - May 2015. Collection method: clinical testing. Allele origin: germline.
Comment: Variant summary: FBN1 c.8461A>C (p.Lys2821Gln) results in a conservative amino acid change in the encoded protein sequence. Three of five in-silico tools predict a damaging effect of the variant on protein function. The variant was absent in 251402 control chromosomes (gnomAD). The available data on variant occurrences in the general population are insufficient to allow any conclusion about variant significance. To our knowledge, no occurrence of c.8461A>C in individuals affected with Marfan Syndrome and no experimental evidence demonstrating its impact on protein function have been reported. ClinVar contains an entry for this variant (Variation ID: 200133). Based on the evidence outlined above, the variant was classified as uncertain significance.

All of Us Research Program, National Institutes of Health
Classification: Uncertain significance for Marfan syndrome. Last evaluated: 2023-07-22. Review status: criteria provided, single submitter. Criteria: ACMG Guidelines, 2015. Collection method: clinical testing. Allele origin: germline. Inheritance: Autosomal dominant inheritance. Observed: 1 variant allele, 1 heterozygote.
Comment: This missense variant replaces lysine with glutamine at codon 2821 of the FBN1 protein. Computational prediction is inconclusive regarding the impact of this variant on protein structure and function (internally defined REVEL score threshold 0.5 < inconclusive < 0.7, PMID: 27666373). To our knowledge, functional studies have not been reported for this variant. This variant has not been reported in individuals affected with FBN1-related disorders in the literature. This variant has not been identified in the general population by the Genome Aggregation Database (gnomAD). The available evidence is insufficient to determine the role of this variant in disease conclusively. Therefore, this variant is classified as a Variant of Uncertain Significance.

This study involves interpretation of variants in research participants for the purpose of population health screening. Participant phenotype was not available at the time of variant classification. Additional details can be found in publication PMID: 35346344, PMCID: PMC8962531

GeneDx
Classification: Uncertain significance. Last evaluated: 2017-03-21. Review status: criteria provided, single submitter. Criteria: GeneDx Variant Classification (06012015). Collection method: clinical testing. Allele origin: germline. Affected: yes.
Comment: A variant of uncertain significance has been identified in the FBN1 gene. The K2821Q variant has not been published as pathogenic or been reported as benign to our knowledge. This variant is not observed in large population cohorts (Lek et al., 2016; 1000 Genomes Consortium et al., 2015; Exome Variant Server). The K2821Q variant is a semi-conservative amino acid substitution, which may impact secondary protein structure as these residues differ in some properties. Additionally, this substitution occurs at a position that is conserved across species. Furthermore, in silico analysis predicts this substitution is likely damaging to the protein structure/function. Nevertheless, the K2821Q variant does not affect a Cysteine residue within a calcium-binding EGF-like domain of the FBN1 gene. Cysteine substitutions in the calcium-binding EGF-like domains represent the majority of pathogenic missense changes associated with Marfan syndrome (Collod-Beroud et al., 2003).

PreventionGenetics, part of Exact Sciences
Classification: Uncertain significance for FBN1-related condition. Last evaluated: 2023-11-30. Review status: no assertion criteria provided. Collection method: clinical testing. Allele origin: germline. Not counted in ClinVar's aggregate classification.
Comment: The FBN1 c.8461A>C variant is predicted to result in the amino acid substitution p.Lys2821Gln. To our knowledge, this variant has not been reported in the literature or in a large population database, indicating this variant is rare. At this time, the clinical significance of this variant is uncertain due to the absence of conclusive functional and genetic evidence.